The following is an entry in ClinVar:

ClinVar aggregate classification (germline): Uncertain significance (1 of 4 stars; one submission).

Conditions:
Charcot-Marie-Tooth disease type 4. Also called: Charcot-Marie-Tooth disease, type IV; Charcot-Marie-Tooth, Type 4. Identifiers: Orphanet 64749, MedGen C4082197, MONDO:0018995.

Submission:

Labcorp Genetics (formerly Invitae), Labcorp
Classification: Uncertain significance for Charcot-Marie-Tooth disease type 4. Last evaluated: 2019-03-22. Review status: criteria provided, single submitter. Criteria: Invitae Variant Classification Sherloc (09022015). Collection method: clinical testing. Allele origin: germline.
Comment: In summary, the available evidence is currently insufficient to determine the role of this variant in disease. Therefore, it has been classified as a Variant of Uncertain Significance. This variant has not been reported in the literature in individuals with SBF2-related conditions. This variant is an in-frame deletion of the genomic region encompassing exons 18-32 of the SBF2 gene. It preserves the integrity of the reading frame.

NC_000011.10:g.(?_9807990)_(9858406_?)del

Gene: SBF2 (SET binding factor 2; minus strand). Cytogenetic location: 11p15.4.
Variant type: Deletion.
Identifiers: ClinVar variation 832210 (VCV000832210.6).